The following is an entry in ClinVar:

NC_000002.11:g.(?_10183844)_(10192634_?)dup

Gene: KLF11 (KLF transcription factor 11; plus strand). Cytogenetic location: 2p25.1.
Variant type: Duplication.
Identifiers: ClinVar variation 1374387 (VCV001374387.4).

ClinVar aggregate classification (germline): Uncertain significance (1 of 4 stars; one submission).

Submission:

Labcorp Genetics (formerly Invitae), Labcorp
Classification: Uncertain significance. Last evaluated: 2021-02-24. Review status: criteria provided, single submitter. Criteria: Invitae Variant Classification Sherloc (09022015). Collection method: clinical testing. Allele origin: germline.
Comment: In summary, the available evidence is currently insufficient to determine the role of this variant in disease. Therefore, it has been classified as a Variant of Uncertain Significance. This variant has not been reported in the literature in individuals with KLF11-related conditions. A copy number gain of the genomic region encompassing the full coding sequence of the KLF11 gene has been identified. The boundaries of this event are unknown as they extend beyond the assayed region for this gene and therefore may encompass additional genes. As the precise location of this event is unknown, it may be in tandem or it may be located elsewhere in the genome.